The following is an entry in ClinVar:

NM_002003.5(FCN1):c.89C>T (p.Ala30Val)

Gene: FCN1 (ficolin 1; minus strand). Cytogenetic location: 9q34.3.
Variant type: single nucleotide variant.
Coding change: c.89C>T on transcript NM_002003.5 (MANE Select); coding-DNA position 89, C replaced by T.
Protein change: p.Ala30Val; replaces alanine 30 with valine.
Molecular consequence: missense variant.
Genome position (GRCh38, 1-based): chr9:134,917,783, G>A on the plus strand (C>T on the coding strand, the complement: FCN1 is on the minus strand). VCF-style: chr9-134917783-G-A. GRCh37 (hg19) VCF-style: chr9-137809629-G-A.
Other names: short protein forms A30V.
Identifiers: ClinVar variation 4980952 (VCV004980952.1).

ClinVar aggregate classification (germline): Likely benign (1 of 4 stars; one submission).

Conditions:
FCN1-related disorder. Also called: FCN1-related condition.

Submission:

PreventionGenetics, part of Exact Sciences
Classification: Likely benign for FCN1-related condition. Last evaluated: 2026-02-06. Review status: criteria provided, single submitter. Criteria: ACMG Guidelines, 2015. Collection method: clinical testing. Allele origin: germline.
Comment: This variant is classified as likely benign based on ACMG/AMP sequence variant interpretation guidelines (Richards et al. 2015 PMID: 25741868, with internal and published modifications).